The following is an entry in ClinVar:

ClinVar aggregate classification (germline): Benign. Review status: criteria provided, multiple submitters, no conflicts (2 of 4 stars). 2 submissions from 2 submitters: Benign (2). Last evaluated 2026-04-19.

Conditions:
CLDN11-related condition.

Allele frequency attached by ClinVar (database versions not stated): gnomAD exomes 0.00018; ExAC 0.00070; ESP Exome Variant Server 0.00154; gnomAD 0.00220; TOPMed 0.00230; 1000 Genomes Project 0.00479; 1000 Genomes Project 30x 0.00484.
gnomAD v4.1: 600 of 1,614,182 alleles (0.037%); highest among the groups gnomAD compares: African/African-American, 0.67%; no homozygotes.

Submissions (2):

PreventionGenetics, part of Exact Sciences
Classification: Benign for CLDN11-related condition. Last evaluated: 2026-04-19. Review status: criteria provided, single submitter. Criteria: ACMG Guidelines, 2015. Collection method: clinical testing. Allele origin: germline.
Comment: This variant is classified as benign based on ACMG/AMP sequence variant interpretation guidelines (Richards et al. 2015 PMID: 25741868, with internal and published modifications).

CeGaT Center for Human Genetics Tuebingen
Classification: Benign. Last evaluated: 2024-04-01. Review status: criteria provided, single submitter. Criteria: CeGaT Center For Human Genetics Tuebingen Variant Classification Criteria Version 2. Collection method: clinical testing. Allele origin: germline. Affected: yes. Observed: 1 variant allele.
Comment: CLDN11: BP4, BS1, BS2

NM_005602.6(CLDN11):c.606G>A (p.Ala202=)

Gene: CLDN11 (claudin 11; plus strand). Cytogenetic location: 3q26.2.
Variant type: single nucleotide variant.
Coding change: c.606G>A on transcript NM_005602.6 (MANE Select); coding-DNA position 606, G replaced by A.
Protein change: p.Ala202=; no amino-acid change (alanine 202 retained).
Molecular consequence: synonymous variant.
Genome position (GRCh38, 1-based): chr3:170,432,738, G>A. VCF-style: chr3-170432738-G-A. GRCh37 (hg19) VCF-style: chr3-170150526-G-A.
Other names: c.354G>A, p.Ala118= (NM_001185056.2); c.606G>A (NM_005602.5).
Identifiers: ClinVar variation 3234232 (VCV003234232.21), dbSNP rs140975891, ClinGen allele CA2701439.